The following is an entry in ClinVar:

NC_012920.1(MT-ATP6):m.9094C>T

Gene: MT-ATP6 (mitochondrially encoded ATP synthase 6; plus strand).
Variant type: single nucleotide variant.
Genome position: chrM-9094-C-T.
Identifiers: ClinVar variation 693085 (VCV000693085.1), dbSNP rs1603222055, ClinGen allele CA414802199.

ClinVar aggregate classification (germline): Benign (1 of 4 stars; one submission).

Conditions:
Leigh syndrome (NULS). Also called: Leigh's necrotizing encephalopathy; Leigh's disease; Leigh Syndrome (mtDNA deletion); Leigh Disease; Subacute necrotizing encephalopathy; Necrotizing encephalopathy infantile subacute of Leigh. Identifiers: Orphanet 506, MedGen C2931891, MONDO:0009723, OMIM 256000.

Submission:

Wong Mito Lab, Molecular and Human Genetics, Baylor College of Medicine
Classification: Benign for Leigh syndrome. Last evaluated: 2019-10-17. Review status: criteria provided, single submitter. Criteria: Modified ACMG Guidelines (Unpublished). Collection method: clinical testing. Allele origin: germline.
Comment: The NC_012920.1:m.9094C>T (YP_003024031.1:p.Leu190Phe) variant in MTATP6 gene is interpretated to be a Benign variant based on the modified ACMG guidelines (unpublished). This variant meets the following evidence codes: BS1, BS2